The following is an entry in ClinVar:

ClinVar aggregate classification (germline): Likely pathogenic. Review status: criteria provided, single submitter (1 of 4 stars). 3 submissions from 3 submitters: Likely pathogenic (1). 2 of the submissions do not count toward it. Last evaluated 2022-11-08.

Conditions:
Niemann-Pick disease, type C1. Also called: NEUROVISCERAL STORAGE DISEASE WITH VERTICAL SUPRANUCLEAR OPHTHALMOPLEGIA; NIEMANN-PICK DISEASE WITH CHOLESTEROL ESTERIFICATION BLOCK; NIEMANN-PICK DISEASE WITHOUT SPHINGOMYELINASE DEFICIENCY; NIEMANN-PICK DISEASE, CHRONIC NEURONOPATHIC FORM; NIEMANN-PICK DISEASE, VARIANT TYPE C1. Identifiers: Orphanet 646, MedGen C3179455, MONDO:0009757, OMIM 257220.

Submissions (3):

Labcorp Genetics (formerly Invitae), Labcorp
Classification: Likely pathogenic for Niemann-Pick disease, type C1. Last evaluated: 2022-11-08. Review status: criteria provided, single submitter. Criteria: Invitae Variant Classification Sherloc (09022015). Collection method: clinical testing. Allele origin: germline.
Comment: In summary, the currently available evidence indicates that the variant is pathogenic, but additional data are needed to prove that conclusively. Therefore, this variant has been classified as Likely Pathogenic. Algorithms developed to predict the effect of sequence changes on RNA splicing suggest that this variant may disrupt the consensus splice site. ClinVar contains an entry for this variant (Variation ID: 552643). This variant has not been reported in the literature in individuals affected with NPC1-related conditions. This variant is not present in population databases (gnomAD no frequency). This sequence change affects an acceptor splice site in intron 20 of the NPC1 gene. It is expected to disrupt RNA splicing. Variants that disrupt the donor or acceptor splice site typically lead to a loss of protein function (PMID: 16199547), and loss-of-function variants in NPC1 are known to be pathogenic (PMID: 9211850).

Natera, Inc.
Classification: Likely pathogenic for Niemann-Pick disease type C1. Last evaluated: 2021-06-28. Review status: no assertion criteria provided. Collection method: clinical testing. Allele origin: germline. Not counted in ClinVar's aggregate classification.

Counsyl
Classification: Likely pathogenic for Niemann-Pick disease, type C1. Last evaluated: 2017-06-26. Review status: no assertion criteria provided. Collection method: clinical testing. Allele origin: unknown. Not counted in ClinVar's aggregate classification.

Literature cited by the submitters: PubMed 16199547 (cited by Labcorp Genetics (formerly Invitae), Labcorp); PubMed 9211850 (cited by Labcorp Genetics (formerly Invitae), Labcorp).

NM_000271.5(NPC1):c.3042-1G>A

Gene: NPC1 (NPC intracellular cholesterol transporter 1; minus strand). Cytogenetic location: 18q11.2.
Variant type: single nucleotide variant.
Coding change: c.3042-1G>A on transcript NM_000271.5 (MANE Select); the canonical splice acceptor site of the intron before coding-DNA position 3042, G replaced by A.
Molecular consequence: splice acceptor variant.
Genome position (GRCh38, 1-based): chr18:23,536,877, C>T on the plus strand (G>A on the coding strand, the complement: NPC1 is on the minus strand). VCF-style: chr18-23536877-C-T. GRCh37 (hg19) VCF-style: chr18-21116841-C-T.
Identifiers: ClinVar variation 552643 (VCV000552643.13), dbSNP rs771806960, ClinGen allele CA401792060.